The following is an entry in ClinVar:

ClinVar aggregate classification (germline): Uncertain significance (1 of 4 stars; one submission).

gnomAD v4.1: 2 of 1,607,192 alleles (0.00012%); highest among the groups gnomAD compares: Non-Finnish European, 0.00017%; no homozygotes.

Submission:

GeneDx
Classification: Uncertain significance. Last evaluated: 2025-01-31. Review status: criteria provided, single submitter. Criteria: GeneDx Variant Classification Process June 2021. Collection method: clinical testing. Allele origin: germline. Affected: yes.
Comment: Not observed at significant frequency in large population cohorts (gnomAD); In silico analysis supports that this missense variant has a deleterious effect on protein structure/function; Has not been previously published as pathogenic or benign to our knowledge

NM_178335.3(CCDC50):c.332A>G (p.Asp111Gly)

Gene: CCDC50 (coiled-coil domain containing 50; plus strand). Cytogenetic location: 3q28.
Variant type: single nucleotide variant.
Coding change: c.332A>G on transcript NM_178335.3 (MANE Select); coding-DNA position 332, A replaced by G.
Protein change: p.Asp111Gly; replaces aspartic acid 111 with glycine.
Molecular consequence: missense variant.
Genome position (GRCh38, 1-based): chr3:191,369,920, A>G. VCF-style: chr3-191369920-A-G. GRCh37 (hg19) VCF-style: chr3-191087709-A-G.
Other names: c.332A>G, p.Asp111Gly (NM_174908.4); short protein forms D111G.
Identifiers: ClinVar variation 4072594 (VCV004072594.1).
Genomic context (GRCh38, chr3:191,369,920, plus strand): 5'-ATATGGAGTTTGTTTGTTCTTTGGTAATGTGTATTTCCATTCTCCTCTTGTCTTTGCAGG[A>G]CATAGCTCGCCTTTTGCAAGAAAAGGAGTTACAGGAAGAGAAAAAGAGAAAGAAACACTT-3'
Protein context (NP_848018.1, residues 101-121): RRRIQEKKDE[Asp111Gly]IARLLQEKEL